The following is an entry in ClinVar:

NM_000053.4(ATP7B):c.1840G>T (p.Gly614Cys)

Gene: ATP7B (ATPase copper transporting beta; minus strand). Cytogenetic location: 13q14.3.
Variant type: single nucleotide variant.
Coding change: c.1840G>T on transcript NM_000053.4 (MANE Select); coding-DNA position 1840, G replaced by T.
Protein change: p.Gly614Cys; replaces glycine 614 with cysteine.
Molecular consequence: missense variant.
Genome position (GRCh38, 1-based): chr13:51,964,901, C>A on the plus strand (G>T on the coding strand, the complement: ATP7B is on the minus strand). VCF-style: chr13-51964901-C-A. GRCh37 (hg19) VCF-style: chr13-52539037-C-A.
Other names: c.1840G>T, p.Gly614Cys (NM_001005918.3, NM_001330578.2, NM_001330579.2); c.1507G>T, p.Gly503Cys (NM_001243182.2); short protein forms G614C, G503C.
Identifiers: ClinVar variation 197623 (VCV000197623.42), dbSNP rs376565432, ClinGen allele CA245888.
Genomic context (GRCh38, chr13:51,964,901, plus strand): 5'-GGTGACTACAATTTTTTAATGAATTACTTACCTCAATAATTTTGATAATATCCCGTGGAC[C>A]GATAATTTCCGGGTCAAACTTAACAAGGGCTTTGCTGGTGGCAAGGGCAACGGAGGCATA-3'
Protein context (NP_000044.2, residues 604-624): ALVKFDPEII[Gly614Cys]PRDIIKIIEE

ClinVar aggregate classification (germline): Uncertain significance. Review status: criteria provided, multiple submitters, no conflicts (2 of 4 stars). 10 submissions from 10 submitters: Uncertain significance (9). 1 of the submissions does not count toward it. Last evaluated 2025-06-24.

Conditions:
Wilson disease (WND). Also called: Wilson's disease. Identifiers: Orphanet 905, MedGen C0019202, MONDO:0010200, OMIM 277900. Disease mechanism: loss of function.

Allele frequency attached by ClinVar (database versions not stated): gnomAD 0.00004; TOPMed 0.00006; ESP Exome Variant Server 0.00025.
gnomAD v4.1: 90 of 1,613,860 alleles (0.0056%); highest among the groups gnomAD compares: Non-Finnish European, 0.0073%; no homozygotes.

Submissions (10):

ARUP Laboratories, Molecular Genetics and Genomics, ARUP Laboratories
Classification: Uncertain significance for Wilson disease. Last evaluated: 2025-06-24. Review status: criteria provided, single submitter. Criteria: ARUP Molecular Germline Variant Investigation Process 2024. Collection method: clinical testing. Allele origin: germline.
Comment: The ATP7B c.1840G>T; p.Gly614Cys variant (rs376565432), to our knowledge, is not reported in the medical literature in individuals affected with Wilson disease but is reported in ClinVar (Variation ID: 197623). This variant is found in the non-Finnish European population with an allele frequency of 0.006% (8/128,706 alleles) in the Genome Aggregation Database (v2.1.1), but is considered a low confidence variant in the database. Computational analyses predict that this variant is deleterious (REVEL: 0.804). However, given the lack of clinical and functional data, the significance of this variant is uncertain at this time.

Women's Health and Genetics/Laboratory Corporation of America, LabCorp
Classification: Uncertain significance. Last evaluated: 2025-03-03. Review status: criteria provided, single submitter. Criteria: LabCorp Variant Classification Summary - May 2015. Collection method: clinical testing. Allele origin: germline.
Comment: Variant summary: ATP7B c.1840G>T (p.Gly614Cys) results in a non-conservative amino acid change located in the Heavy-metal-associated domain (IPR006121) of the encoded protein sequence. Five of five in-silico tools predict a damaging effect of the variant on protein function. The variant allele was found at a frequency of 2.8e-05 in 249570 control chromosomes, predominantly at a frequency of 6.2e-05 within the Non-Finnish European subpopulation in the gnomAD database. The available data on variant occurrences in the general population are insufficient to allow any conclusion about variant significance. To our knowledge, no occurrence of c.1840G>T in individuals affected with Wilson Disease and no experimental evidence demonstrating its impact on protein function have been reported. ClinVar contains an entry for this variant (Variation ID: 197623). Based on the evidence outlined above, the variant was classified as uncertain significance.

All of Us Research Program, National Institutes of Health
Classification: Uncertain significance for Wilson disease. Last evaluated: 2024-09-23. Review status: criteria provided, single submitter. Criteria: ACMG Guidelines, 2015. Collection method: clinical testing. Allele origin: germline. Inheritance: Autosomal recessive inheritance. Observed: 22 variant alleles, 22 heterozygotes.
Comment: This missense variant replaces glycine with cysteine at codon 614 of the ATP7B protein. Computational prediction suggests that this variant may have deleterious impact on protein structure and function (internally defined REVEL score threshold >= 0.7, PMID: 27666373). To our knowledge, functional studies have not been reported for this variant. This variant has not been reported in individuals affected with Wilson disease in the literature. This variant has not been identified in the general population by the Genome Aggregation Database (gnomAD). The available evidence is insufficient to determine the role of this variant in disease conclusively. Therefore, this variant is classified as a Variant of Uncertain Significance.

This study involves interpretation of variants in research participants for the purpose of population health screening. Participant phenotype was not available at the time of variant classification. Additional details can be found in publication PMID: 35346344, PMCID: PMC8962531

Fulgent Genetics
Classification: Uncertain significance for Wilson disease. Last evaluated: 2024-02-26. Review status: criteria provided, single submitter. Criteria: ACMG Guidelines, 2015. Collection method: clinical testing. Allele origin: germline.

CeGaT Center for Human Genetics Tuebingen
Classification: Uncertain significance. Last evaluated: 2023-05-01. Review status: criteria provided, single submitter. Criteria: CeGaT Center For Human Genetics Tuebingen Variant Classification Criteria Version 2. Collection method: clinical testing. Allele origin: germline. Affected: yes. Observed: 1 variant allele.
Comment: ATP7B: PS4:Supporting

Color Diagnostics, LLC DBA Color Health
Classification: Uncertain significance for Wilson disease. Last evaluated: 2022-09-23. Review status: criteria provided, single submitter. Criteria: ACMG Guidelines, 2015. Collection method: clinical testing. Allele origin: germline.
Comment: This missense variant replaces glycine with cysteine at codon 614 of the ATP7B protein. Computational prediction suggests that this variant may have deleterious impact on protein structure and function. To our knowledge, functional studies have not been reported for this variant. This variant has not been reported in individuals affected with Wilson disease in the literature. This variant has not been identified in the general population by the Genome Aggregation Database (gnomAD). The available evidence is insufficient to determine the role of this variant in disease conclusively. Therefore, this variant is classified as a Variant of Uncertain Significance.

Labcorp Genetics (formerly Invitae), Labcorp
Classification: Uncertain significance for Wilson disease. Last evaluated: 2022-03-14. Review status: criteria provided, single submitter. Criteria: Invitae Variant Classification Sherloc (09022015). Collection method: clinical testing. Allele origin: germline.
Comment: This sequence change replaces glycine, which is neutral and non-polar, with cysteine, which is neutral and slightly polar, at codon 614 of the ATP7B protein (p.Gly614Cys). The frequency data for this variant in the population databases is considered unreliable, as metrics indicate poor data quality at this position in the gnomAD database. This variant has not been reported in the literature in individuals affected with ATP7B-related conditions. ClinVar contains an entry for this variant (Variation ID: 197623). Advanced modeling of protein sequence and biophysical properties (such as structural, functional, and spatial information, amino acid conservation, physicochemical variation, residue mobility, and thermodynamic stability) performed at Invitae indicates that this missense variant is expected to disrupt ATP7B protein function. In summary, the available evidence is currently insufficient to determine the role of this variant in disease. Therefore, it has been classified as a Variant of Uncertain Significance.

Genome-Nilou Lab
Classification: Uncertain significance for Wilson disease. Last evaluated: 2021-09-05. Review status: criteria provided, single submitter. Criteria: ACMG Guidelines, 2015. Collection method: clinical testing. Allele origin: germline. Affected: no.

Eurofins Ntd Llc (ga)
Classification: Uncertain significance. Last evaluated: 2014-08-18. Review status: criteria provided, single submitter. Criteria: EGL Classification Definitions 2015. Collection method: clinical testing. Allele origin: germline. Observed: 1 variant allele, 1 heterozygote.

Natera, Inc.
Classification: Uncertain significance for Wilson disease. Last evaluated: 2020-03-26. Review status: no assertion criteria provided. Collection method: clinical testing. Allele origin: germline. Not counted in ClinVar's aggregate classification.

Literature cited by the submitters: PubMed 23518715 (cited by Eurofins Ntd Llc (ga)).